The following is an entry in ClinVar:

ClinVar aggregate classification (germline): Pathogenic (1 of 4 stars; one submission).

Submission:

GeneDx
Classification: Pathogenic. Last evaluated: 2021-12-28. Review status: criteria provided, single submitter. Criteria: GeneDx Variant Classification Process June 2021. Collection method: clinical testing. Allele origin: germline. Affected: yes.
Comment: Frameshift variant predicted to result in protein truncation or nonsense mediated decay in a gene for which loss-of-function is a known mechanism of disease; Not observed at significant frequency in large population cohorts (gnomAD); Has not been previously published as pathogenic or benign to our knowledge

NM_031443.4(CCM2):c.569dup (p.Glu191fs)

Gene: CCM2 (CCM2 scaffold protein; plus strand). Cytogenetic location: 7p13.
Variant type: Duplication.
Coding change: c.569dup on transcript NM_031443.4 (MANE Select); coding-DNA position 569, one base duplicated (T; older notation c.569dupT).
Protein change: p.Glu191fs; shifts the reading frame from glutamic acid 191.
Molecular consequence: frameshift variant. On other transcripts: non-coding transcript variant (1), intron variant (1).
Genome position (GRCh38, 1-based): chr7:45,068,539, T duplicated. VCF-style (leftmost placement, unchanged base first): chr7-45068538-G-GT. GRCh37 (hg19) VCF-style: chr7-45108137-G-GT.
Other names: c.632dup, p.Glu212fs (NM_001029835.2); c.395dup, p.Glu133fs (NM_001167934.2, NM_001363459.2); c.569dup, p.Glu191fs (NM_001363458.2); c.472+3893dup (NM_001167935.2); short protein forms E133fs, E191fs, E212fs.
Identifiers: ClinVar variation 1693392 (VCV001693392.2), dbSNP rs2128749913, ClinGen allele CA2580077191.